The following is an entry in ClinVar:

ClinVar aggregate classification (germline): Uncertain significance (1 of 4 stars; one submission).

Conditions:
Pyogenic arthritis-pyoderma gangrenosum-acne syndrome (PAPA). Also called: FAMILIAL RECURRENT ARTHRITIS; PAPA SYNDROME. Identifiers: Orphanet 69126, MedGen C1858361, MONDO:0011462, OMIM 604416.

gnomAD v4.1: 4 of 1,610,726 alleles (0.00025%); highest among the groups gnomAD compares: Non-Finnish European, 0.00017%; no homozygotes.

Submission:

Labcorp Genetics (formerly Invitae), Labcorp
Classification: Uncertain significance for Pyogenic arthritis-pyoderma gangrenosum-acne syndrome. Last evaluated: 2024-03-03. Review status: criteria provided, single submitter. Criteria: Invitae Variant Classification Sherloc (09022015). Collection method: clinical testing. Allele origin: germline.
Comment: This sequence change replaces alanine, which is neutral and non-polar, with valine, which is neutral and non-polar, at codon 347 of the PSTPIP1 protein (p.Ala347Val). The frequency data for this variant in the population databases is considered unreliable, as metrics indicate poor data quality at this position in the gnomAD database. This variant has not been reported in the literature in individuals affected with PSTPIP1-related conditions. Advanced modeling of protein sequence and biophysical properties (such as structural, functional, and spatial information, amino acid conservation, physicochemical variation, residue mobility, and thermodynamic stability) performed at Invitae indicates that this missense variant is not expected to disrupt PSTPIP1 protein function with a negative predictive value of 80%. In summary, the available evidence is currently insufficient to determine the role of this variant in disease. Therefore, it has been classified as a Variant of Uncertain Significance.

NM_003978.5(PSTPIP1):c.1040C>T (p.Ala347Val)

Gene: PSTPIP1 (proline-serine-threonine phosphatase interacting protein 1; plus strand). Cytogenetic location: 15q24.3.
Variant type: single nucleotide variant.
Coding change: c.1040C>T on transcript NM_003978.5 (MANE Select); coding-DNA position 1040, C replaced by T.
Protein change: p.Ala347Val; replaces alanine 347 with valine.
Molecular consequence: missense variant. On other transcripts: non-coding transcript variant (1).
Genome position (GRCh38, 1-based): chr15:77,035,856, C>T. VCF-style: chr15-77035856-C-T. GRCh37 (hg19) VCF-style: chr15-77328197-C-T.
Other names: c.983C>T, p.Ala328Val (NM_001321135.2); c.1013C>T, p.Ala338Val (NM_001321136.2); c.1235C>T, p.Ala412Val (NM_001321137.1); c.1031C>T, p.Ala344Val (NM_001411086.1); short protein forms A328V, A338V, A344V, A347V, A412V.
Identifiers: ClinVar variation 3612272 (VCV003612272.2).